The following is an entry in ClinVar:

NM_015599.3(PGM3):c.-2-171T>A

Gene: PGM3 (phosphoglucomutase 3; minus strand). Cytogenetic location: 6q14.1.
Variant type: single nucleotide variant.
Coding change: c.-2-171T>A on transcript NM_015599.3 (MANE Select); 171 bases into the intron before 2 bases upstream of the start codon, T replaced by A.
Molecular consequence: intron variant. On other transcripts: splice donor variant (2).
Genome position (GRCh38, 1-based): chr6:83,191,185, A>T on the plus strand (T>A on the coding strand, the complement: PGM3 is on the minus strand). VCF-style: chr6-83191185-A-T. GRCh37 (hg19) VCF-style: chr6-83900904-A-T.
Other names: c.82+2T>A (NM_001199917.2, NM_001367287.1); c.-40+1994T>A (NM_001199918.2); c.-2-171T>A (NM_001367286.1, NM_001199919.2).
Identifiers: ClinVar variation 2837661 (VCV002837661.3), dbSNP rs2538239953, ClinGen allele CA364854351.
Genomic context (GRCh38, chr6:83,191,185, plus strand): 5'-CAAAGAACCCTATGTTTGACAGAGCAATGGGCAGGAGAGTAAGTCCTGTGGGTTAGAATT[A>T]CCTACAAGATGTTGTCCAACTTGGTATGTCCACTCCTGGGCAGACTCAGGGCAGATAGCA-3'

ClinVar aggregate classification (germline): Likely pathogenic (1 of 4 stars; one submission).

Conditions:
Immunodeficiency 23 (IMD23). Also called: IMMUNODEFICIENCY WITH HYPER IgE AND COGNITIVE IMPAIRMENT; IMMUNODEFICIENCY-VASCULITIS-MYOCLONUS SYNDROME. Identifiers: Orphanet 443811, MedGen C4014371, MONDO:0014353, OMIM 615816.

Submission:

Labcorp Genetics (formerly Invitae), Labcorp
Classification: Likely pathogenic for Immunodeficiency 23. Last evaluated: 2023-06-11. Review status: criteria provided, single submitter. Criteria: Invitae Variant Classification Sherloc (09022015). Collection method: clinical testing. Allele origin: germline.
Comment: This sequence change affects a donor splice site in intron 2 of the PGM3 gene. It is expected to disrupt RNA splicing. Variants that disrupt the donor or acceptor splice site typically lead to a loss of protein function (PMID: 16199547), and loss-of-function variants in PGM3 are known to be pathogenic (PMID: 17548465, 24589341, 24931394). This variant is not present in population databases (gnomAD no frequency). This variant has not been reported in the literature in individuals affected with PGM3-related conditions. Algorithms developed to predict the effect of sequence changes on RNA splicing suggest that this variant may disrupt the consensus splice site. In summary, the currently available evidence indicates that the variant is pathogenic, but additional data are needed to prove that conclusively. Therefore, this variant has been classified as Likely Pathogenic.

Literature cited by the submitters: PubMed 16199547; PubMed 17548465; PubMed 24589341; PubMed 24931394.